The following is an entry in ClinVar:

ClinVar aggregate classification (germline): Benign/Likely benign. Review status: criteria provided, multiple submitters, no conflicts (2 of 4 stars). 6 submissions from 6 submitters: Benign (1); Likely benign (4). 1 of the submissions does not count toward it. Last evaluated 2026-09-01.

Conditions:
GH1-related disorder. Also called: GH1-related condition.

Allele frequency attached by ClinVar (database versions not stated): ESP Exome Variant Server 0.00261; 1000 Genomes Project 0.00300; gnomAD 0.00300; TOPMed 0.00314; 1000 Genomes Project 30x 0.00328.

Submissions (6):

CeGaT Center for Human Genetics Tuebingen
Classification: Likely benign. Last evaluated: 2026-09-01. Review status: criteria provided, single submitter. Criteria: CeGaT Center For Human Genetics Tuebingen Variant Classification Criteria Version 2. Collection method: clinical testing. Allele origin: germline. Affected: yes. Observed: 1 variant allele.
Comment: GH1: BP4, BS1

Women's Health and Genetics/Laboratory Corporation of America, LabCorp
Classification: Likely benign. Last evaluated: 2026-06-03. Review status: criteria provided, single submitter. Criteria: LabCorp Variant Classification Summary - May 2015. Collection method: clinical testing. Allele origin: germline.
Comment: Variant summary: GH1 c.363T>A (p.Ser121Arg) results in a non-conservative amino acid change in the encoded protein sequence. Algorithms developed to predict the effect of missense changes on protein structure and function are either unavailable or do not agree on the potential impact of this missense change. The variant allele was found at a frequency of 0.00075 in 251422 control chromosomes, predominantly at a frequency of 0.011 within the African or African-American subpopulation in the gnomAD database, including 2 homozygotes. The observed variant frequency within African or African-American control individuals in the gnomAD database exceeds the estimated maximal expected allele frequency for disease-causing variants in GH1. To our knowledge, no occurrence of c.363T>A in individuals affected with GH1-related conditions and no experimental evidence demonstrating its impact on protein function have been reported. ClinVar contains an entry for this variant (Variation ID: 281268). Based on the evidence outlined above, the variant was classified as likely benign.

Labcorp Genetics (formerly Invitae), Labcorp
Classification: Likely benign. Last evaluated: 2026-01-08. Review status: criteria provided, single submitter. Criteria: Invitae Variant Classification Sherloc (09022015). Collection method: clinical testing. Allele origin: germline.

Blueprint Genetics
Classification: Likely benign. Last evaluated: 2024-02-08. Review status: criteria provided, single submitter. Criteria: ACMG Guidelines, 2015. Collection method: clinical testing. Allele origin: germline.

Eurofins Ntd Llc (ga)
Classification: Benign. Last evaluated: 2015-06-17. Review status: criteria provided, single submitter. Criteria: EGL Classification Definitions 2015. Collection method: clinical testing. Allele origin: germline. Observed: 1 variant allele, 1 heterozygote.

PreventionGenetics, part of Exact Sciences
Classification: Benign for GH1-related condition. Last evaluated: 2019-11-25. Review status: no assertion criteria provided. Collection method: clinical testing. Allele origin: germline. Not counted in ClinVar's aggregate classification.
Comment: This variant is classified as benign based on ACMG/AMP sequence variant interpretation guidelines (Richards et al. 2015 PMID: 25741868, with internal and published modifications).

NM_000515.5(GH1):c.363T>A (p.Ser121Arg)

Genes: GH-LCR (growth hormone locus control region; plus strand), GH1 (growth hormone 1; minus strand). Cytogenetic location: 17q23.3.
Variant type: single nucleotide variant.
Coding change: c.363T>A on transcript NM_000515.5 (MANE Select); coding-DNA position 363, T replaced by A.
Protein change: p.Ser121Arg; replaces serine 121 with arginine.
Molecular consequence: missense variant.
Genome position (GRCh38, 1-based): chr17:63,917,853, A>T on the plus strand (T>A on the coding strand, the complement: GH1 is on the minus strand). VCF-style: chr17-63917853-A-T. GRCh37 (hg19) VCF-style: chr17-61995213-A-T.
Other names: c.318T>A, p.Ser106Arg (NM_022559.4); c.243T>A, p.Ser81Arg (NM_022560.4); short protein forms S121R, S106R, S81R.
Identifiers: ClinVar variation 281268 (VCV000281268.19), dbSNP rs137882374, ClinGen allele CA8708210.